The following is an entry in ClinVar:

ClinVar aggregate classification (germline): Likely pathogenic (1 of 4 stars; one submission).

Conditions:
Developmental and epileptic encephalopathy, 60. Also called: EPILEPTIC ENCEPHALOPATHY, EARLY INFANTILE, 60. Identifiers: MedGen C4693663, MONDO:0033369, OMIM 617929.

Submission:

Laboratory of Inherited Metabolic Diseases, Research centre for medical genetics
Classification: Likely pathogenic for Developmental and epileptic encephalopathy, 60. Last evaluated: 2020-02-14. Review status: criteria provided, single submitter. Criteria: ACMG Guidelines, 2015. Collection method: clinical testing. Allele origin: unknown. Inheritance: Autosomal recessive inheritance. Affected: yes.
Comment: found in compound heterozygous with c.362G>A (p.Arg121Gln)

NM_006586.5(CNPY3):c.628C>T (p.Gln210Ter)

Genes: CNPY3 (canopy FGF signaling regulator 3; plus strand), CNPY3-GNMT (CNPY3-GNMT readthrough; plus strand). Cytogenetic location: 6p21.1.
Variant type: single nucleotide variant.
Coding change: c.628C>T on transcript NM_006586.5 (MANE Select); coding-DNA position 628, C replaced by T.
Protein change: p.Gln210Ter; replaces glutamine 210 with a stop codon.
Molecular consequence: nonsense. On other transcripts: non-coding transcript variant (4), intron variant (3).
Genome position (GRCh38, 1-based): chr6:42,938,582, C>T. VCF-style: chr6-42938582-C-T. GRCh37 (hg19) VCF-style: chr6-42906320-C-T.
Other names: c.727C>T, p.Gln243Ter (NM_001318842.1); c.361C>T, p.Gln121Ter (NM_001318845.1); c.8+8861C>T (NM_001318856.2); c.151+8861C>T (NM_001318857.2, NM_001318858.2); short protein forms Q210*, Q121*, Q243*.
Identifiers: ClinVar variation 870182 (VCV000870182.1), dbSNP rs1768394971, ClinGen allele CA364188918.
Genomic context (GRCh38, chr6:42,938,582, plus strand): 5'-AGCCCTGAGGCACTTCTGTTGAGGGTCTCTCTCCTCCACACCCTAGGTTGCCTGGCAGAG[C>T]AGTGGTCCGGCAAGAAGGGAGACACAGCTGCCCTGGGAGGGAAGAAGTCCAAGAAGAAGA-3'